The following is an entry in ClinVar:

NM_005732.4(RAD50):c.1492G>A (p.Glu498Lys)

Gene: RAD50 (RAD50 double strand break repair protein; plus strand). Cytogenetic location: 5q31.1.
Variant type: single nucleotide variant.
Coding change: c.1492G>A on transcript NM_005732.4 (MANE Select); coding-DNA position 1492, G replaced by A.
Protein change: p.Glu498Lys; replaces glutamic acid 498 with lysine.
Molecular consequence: missense variant.
Genome position (GRCh38, 1-based): chr5:132,591,263, G>A. VCF-style: chr5-132591263-G-A. GRCh37 (hg19) VCF-style: chr5-131926955-G-A.
Other names: short protein forms E498K.
Identifiers: ClinVar variation 408383 (VCV000408383.12), dbSNP rs543815753, ClinGen allele CA16611957.
Genomic context (GRCh38, chr5:132,591,263, plus strand): 5'-TTTGTATGAATTATTGACTAGGAACGTGAGTTAAGCAAGGCTGAGAAAAACAGCAATGTA[G>A]AAACCTTAAAAATGGAAGTAATAAGTCTCCAAAATGAAAAAGCAGACTTAGACAGGACCC-3'
Protein context (NP_005723.2, residues 488-508): LSKAEKNSNV[Glu498Lys]TLKMEVISLQ

ClinVar aggregate classification (germline): Uncertain significance. Review status: criteria provided, multiple submitters, no conflicts (2 of 4 stars). 2 submissions from 2 submitters: Uncertain significance (2). Last evaluated 2023-12-23.

Conditions:
Hereditary cancer-predisposing syndrome. Also called: Hereditary Cancer Syndrome; Hereditary neoplastic syndrome; Neoplastic Syndromes, Hereditary; Tumor predisposition. Identifiers: Orphanet 140162, MedGen C0027672, MeSH D009386, MONDO:0015356.

Allele frequency attached by ClinVar (database versions not stated): gnomAD exomes below 0.00001.
gnomAD v4.1: 1 of 1,613,150 alleles (0.000062%); highest among the groups gnomAD compares: Non-Finnish European, 0.000085%; no homozygotes.

Submissions (2):

Ambry Genetics
Classification: Uncertain significance for Hereditary cancer-predisposing syndrome. Last evaluated: 2023-12-23. Review status: criteria provided, single submitter. Criteria: Ambry Variant Classification Scheme 2023. Collection method: clinical testing. Allele origin: germline.
Comment: The p.E498K variant (also known as c.1492G>A), located in coding exon 10 of the RAD50 gene, results from a G to A substitution at nucleotide position 1492. The glutamic acid at codon 498 is replaced by lysine, an amino acid with similar properties. This amino acid position is conserved. In addition, the in silico prediction for this alteration is inconclusive. Since supporting evidence is limited at this time, the clinical significance of this alteration remains unclear.

Labcorp Genetics (formerly Invitae), Labcorp
Classification: Uncertain significance for Hereditary cancer-predisposing syndrome. Last evaluated: 2021-04-28. Review status: criteria provided, single submitter. Criteria: Invitae Variant Classification Sherloc (09022015). Collection method: clinical testing. Allele origin: germline.
Comment: This sequence change replaces glutamic acid with lysine at codon 498 of the RAD50 protein (p.Glu498Lys). The glutamic acid residue is moderately conserved and there is a small physicochemical difference between glutamic acid and lysine. In summary, the available evidence is currently insufficient to determine the role of this variant in disease. Therefore, it has been classified as a Variant of Uncertain Significance. Algorithms developed to predict the effect of missense changes on protein structure and function (SIFT, PolyPhen-2, Align-GVGD) all suggest that this variant is likely to be tolerated, but these predictions have not been confirmed by published functional studies and their clinical significance is uncertain. This variant has not been reported in the literature in individuals with RAD50-related conditions. ClinVar contains an entry for this variant (Variation ID: 408383). This variant is not present in population databases (ExAC no frequency).